The following is an entry in ClinVar:

ClinVar aggregate classification (germline): Pathogenic. Review status: criteria provided, multiple submitters, no conflicts (2 of 4 stars). 2 submissions from 2 submitters: Pathogenic (2). Last evaluated 2025-01-13.

Conditions:
Pyruvate kinase deficiency of red cells (CNSHA2). Also called: PK DEFICIENCY; PYRUVATE KINASE DEFICIENCY OF ERYTHROCYTE; Pyruvate kinase deficiency, Amish type. Identifiers: Orphanet 766, MedGen C0340968, MONDO:0009950, OMIM 266200.

gnomAD v4.1: 2 of 1,614,180 alleles (0.00012%); highest among the groups gnomAD compares: Non-Finnish European, 0.000085%; no homozygotes.

Submissions (2):

Revvity Omics, Revvity
Classification: Pathogenic. Last evaluated: 2025-01-13. Review status: criteria provided, single submitter. Criteria: ACMG Guidelines, 2015. Collection method: clinical testing. Allele origin: germline.

3billion
Classification: Pathogenic for Pyruvate kinase deficiency of red cells. Last evaluated: 2022-09-01. Review status: criteria provided, single submitter. Criteria: ACMG Guidelines, 2015. Collection method: clinical testing. Allele origin: germline. Affected: yes. Observed: 1 homozygote.
Comment: The variant is observed at an extremely low frequency in the gnomAD v2.1.1 dataset (total allele frequency: <0.001%). Stop-gained (nonsense) is predicted to result in a loss or disruption of normal protein function through nonsense-mediated decay (NMD) or protein truncation. Multiple pathogenic variants are reported downstream of the variant. The variant has been reported to be associated with PKLR-related disorder (PMID: 7706479). Therefore, this variant is classified as Pathogenic according to the recommendation of ACMG/AMP guideline.

Literature cited by the submitters: PubMed 7706479 (cited by 3billion).

NM_000298.6(PKLR):c.808C>T (p.Arg270Ter)

Gene: PKLR (pyruvate kinase L/R; minus strand). Cytogenetic location: 1q22.
Variant type: single nucleotide variant.
Coding change: c.808C>T on transcript NM_000298.6 (MANE Select); coding-DNA position 808, C replaced by T.
Protein change: p.Arg270Ter; replaces arginine 270 with a stop codon.
Molecular consequence: nonsense.
Genome position (GRCh38, 1-based): chr1:155,294,639, G>A on the plus strand (C>T on the coding strand, the complement: PKLR is on the minus strand). VCF-style: chr1-155294639-G-A. GRCh37 (hg19) VCF-style: chr1-155264430-G-A.
Other names: c.715C>T, p.Arg239Ter (NM_181871.4); short protein forms R239*, R270*.
Identifiers: ClinVar variation 1705384 (VCV001705384.4), dbSNP rs772860949, ClinGen allele CA342754334.